The following is an entry in ClinVar:

NM_014845.6(FIG4):c.1263T>A (p.Tyr421Ter)

Gene: FIG4 (FIG4 phosphoinositide 5-phosphatase; plus strand). Cytogenetic location: 6q21.
Variant type: single nucleotide variant.
Coding change: c.1263T>A on transcript NM_014845.6 (MANE Select); coding-DNA position 1263, T replaced by A.
Protein change: p.Tyr421Ter; replaces tyrosine 421 with a stop codon.
Molecular consequence: nonsense.
Genome position (GRCh38, 1-based): chr6:109,760,375, T>A. VCF-style: chr6-109760375-T-A. GRCh37 (hg19) VCF-style: chr6-110081578-T-A.
Other names: short protein forms Y421*.
Identifiers: ClinVar variation 3257443 (VCV003257443.17).

ClinVar aggregate classification (germline): Pathogenic (1 of 4 stars; one submission).

gnomAD v4.1: 1 of 1,613,152 alleles (0.000062%); highest among the groups gnomAD compares: Non-Finnish European, 0.000085%; no homozygotes.

Submission:

CeGaT Center for Human Genetics Tuebingen
Classification: Pathogenic. Last evaluated: 2024-07-01. Review status: criteria provided, single submitter. Criteria: CeGaT Center For Human Genetics Tuebingen Variant Classification Criteria Version 2. Collection method: clinical testing. Allele origin: germline. Affected: yes. Observed: 1 variant allele.
Comment: FIG4: PVS1, PM2